The following is an entry in ClinVar:

ClinVar aggregate classification (germline): Uncertain significance. Review status: criteria provided, multiple submitters, no conflicts (2 of 4 stars). 2 submissions from 2 submitters: Uncertain significance (2). Last evaluated 2022-03-18.

Conditions:
Long QT syndrome (LQTS). Identifiers: MedGen C0023976, MeSH D008133, MONDO:0002442. Disease mechanism: loss of function. Inheritance: Various modes of inheritance.
Long QT syndrome 11 (LQT11). Identifiers: Orphanet 101016, Orphanet 768, MedGen C2678483, MONDO:0012738, OMIM 611820.

gnomAD v4.1: 20 of 1,612,654 alleles (0.0012%); highest among the groups gnomAD compares: Admixed American, 0.0017%; no homozygotes.

Submissions (2):

Labcorp Genetics (formerly Invitae), Labcorp
Classification: Uncertain significance for Long QT syndrome. Last evaluated: 2022-03-18. Review status: criteria provided, single submitter. Criteria: Invitae Variant Classification Sherloc (09022015). Collection method: clinical testing. Allele origin: germline.
Comment: Algorithms developed to predict the effect of sequence changes on RNA splicing suggest that this variant may create or strengthen a splice site. This sequence change replaces serine, which is neutral and polar, with glycine, which is neutral and non-polar, at codon 1918 of the AKAP9 protein (p.Ser1918Gly). This variant is not present in population databases (gnomAD no frequency). This variant has not been reported in the literature in individuals affected with AKAP9-related conditions. Algorithms developed to predict the effect of missense changes on protein structure and function (SIFT, PolyPhen-2, Align-GVGD) all suggest that this variant is likely to be tolerated. In summary, the available evidence is currently insufficient to determine the role of this variant in disease. Therefore, it has been classified as a Variant of Uncertain Significance.

Fulgent Genetics
Classification: Uncertain significance for Long QT syndrome 11. Last evaluated: 2021-09-24. Review status: criteria provided, single submitter. Criteria: ACMG Guidelines, 2015. Collection method: clinical testing. Allele origin: unknown.

NM_005751.5(AKAP9):c.5752A>G (p.Ser1918Gly)

Gene: AKAP9 (A-kinase anchoring protein 9; plus strand). Cytogenetic location: 7q21.2.
Variant type: single nucleotide variant.
Coding change: c.5752A>G on transcript NM_005751.5 (MANE Select); coding-DNA position 5752, A replaced by G.
Protein change: p.Ser1918Gly; replaces serine 1918 with glycine.
Molecular consequence: missense variant.
Genome position (GRCh38, 1-based): chr7:92,061,410, A>G. VCF-style: chr7-92061410-A-G. GRCh37 (hg19) VCF-style: chr7-91690724-A-G.
Other names: c.397A>G, p.Ser133Gly (NM_001379277.1); c.5752A>G, p.Ser1918Gly (NM_147185.3); short protein forms S1918G, S133G.
Identifiers: ClinVar variation 1385996 (VCV001385996.9), dbSNP rs1000673132, ClinGen allele CA368131767.